The following is an entry in ClinVar:

ClinVar aggregate classification (germline): Uncertain significance (1 of 4 stars; one submission).

Allele frequency attached by ClinVar (database versions not stated): ExAC 0.00005; gnomAD 0.00005; TOPMed 0.00005.
gnomAD v4.1: 70 of 1,543,098 alleles (0.0045%); highest among the groups gnomAD compares: Non-Finnish European, 0.0053%; 1 homozygote.

Submission:

Labcorp Genetics (formerly Invitae), Labcorp
Classification: Uncertain significance. Last evaluated: 2025-10-26. Review status: criteria provided, single submitter. Criteria: Invitae Variant Classification Sherloc (09022015). Collection method: clinical testing. Allele origin: germline.
Comment: This sequence change replaces glycine, which is neutral and non-polar, with arginine, which is basic and polar, at codon 162 of the ANXA11 protein (p.Gly162Arg). This variant is present in population databases (rs773632187, gnomAD 0.007%). This missense change has been observed in individual(s) with amyotrophic lateral sclerosis (PMID: 29650794). ClinVar contains an entry for this variant (Variation ID: 2043857). An algorithm developed to predict the effect of missense changes on protein structure and function (PolyPhen-2) suggests that this variant is likely to be tolerated. In summary, the available evidence is currently insufficient to determine the role of this variant in disease. Therefore, it has been classified as a Variant of Uncertain Significance.

Literature cited by the submitters: PubMed 29650794.

NM_145868.2(ANXA11):c.484G>A (p.Gly162Arg)

Gene: ANXA11 (annexin A11; minus strand). Cytogenetic location: 10q22.3.
Variant type: single nucleotide variant.
Coding change: c.484G>A on transcript NM_145868.2 (MANE Select); coding-DNA position 484, G replaced by A.
Protein change: p.Gly162Arg; replaces glycine 162 with arginine.
Molecular consequence: missense variant.
Genome position (GRCh38, 1-based): chr10:80,169,046, C>T on the plus strand (G>A on the coding strand, the complement: ANXA11 is on the minus strand). VCF-style: chr10-80169046-C-T. GRCh37 (hg19) VCF-style: chr10-81928802-C-T.
Other names: c.484G>A, p.Gly162Arg (NM_001157.3, NM_001278407.2, NM_001278408.2 and 1 more transcripts); c.385G>A, p.Gly129Arg (NM_001278409.2); short protein forms G129R, G162R.
Identifiers: ClinVar variation 2043857 (VCV002043857.4), dbSNP rs773632187, ClinGen allele CA5576274.